The following is an entry in ClinVar:

NM_032383.5(HPS3):c.532del (p.Ser178fs)

Gene: HPS3 (HPS3 biogenesis of lysosomal organelles complex 2 subunit 1; plus strand). Cytogenetic location: 3q24.
Variant type: Deletion.
Coding change: c.532del on transcript NM_032383.5 (MANE Select); coding-DNA position 532, one base deleted (T; older notation c.532delT).
Protein change: p.Ser178fs; shifts the reading frame from serine 178.
Molecular consequence: frameshift variant. On other transcripts: intron variant (1).
Genome position (GRCh38, 1-based): chr3:149,140,318, T deleted; the last of 2 consecutive T bases (chr3:149,140,317-149,140,318); deleting either gives the same sequence. VCF-style (leftmost placement, unchanged base first): chr3-149140316-GT-G. GRCh37 (hg19) VCF-style: chr3-148858103-GT-G.
Other names: c.218-699del (NM_001308258.2); short protein forms S178fs.
Identifiers: ClinVar variation 4069490 (VCV004069490.2).

ClinVar aggregate classification (germline): Likely pathogenic (1 of 4 stars; one submission).

Conditions:
Hermansky-Pudlak syndrome (HPS). Also called: ALBINISM WITH HEMORRHAGIC DIATHESIS AND PIGMENTED RETICULOENDOTHELIAL CELLS. Identifiers: Orphanet 79430, MedGen C0079504, MONDO:0019312.

Submission:

Natera, Inc.
Classification: Likely pathogenic for Hermansky-Pudlak syndrome. Last evaluated: 2025-02-10. Review status: criteria provided, single submitter. Criteria: Natera Variant Classification Schema (03/2026). Collection method: clinical testing. Allele origin: germline.
Comment: The c.532del variant in HPS3 is a frameshift variant predicted to shift the reading frame beginning at codon 178 and leads to a stop codon 2 codons downstream. This variant is expected to result in nonsense mediated decay, truncation, or a dysfunctional protein product. This variant is rare in the general population with a frequency below the threshold expected for the associated phenotype(s). Given the available evidence, this variant is classified as Likely Pathogenic.